The following is an entry in ClinVar:

NM_001101426.4(CRPPA):c.934-130_934-129insA

Genes: CRPPA (CDP-L-ribitol pyrophosphorylase A; minus strand), CRPPA-AS1 (CRPPA antisense RNA 1; plus strand). Cytogenetic location: 7p21.2.
Variant type: Insertion.
Coding change: c.934-130_934-129insA on transcript NM_001101426.4 (MANE Select); 130 bases into the intron before coding-DNA position 934 through 129 bases into the intron before coding-DNA position 934, A inserted.
Molecular consequence: intron variant.
Genome position: GRCh38 VCF-style: chr7-16259141-A-AT. GRCh37 (hg19) VCF-style: chr7-16298766-A-AT.
Other names: c.784-130_784-129insA (NM_001101417.4); c.829-130_829-129insA (NM_001368197.1).
Identifiers: ClinVar variation 681995 (VCV000681995.1), dbSNP rs5882563, ClinGen allele CA154745720.
Genomic context (GRCh38, chr7:16,259,141, plus strand): 5'-GAACACATAATTGCTAGAAGGCCCATAAAGCCAAGGACCATATATTTTTTAAAAAAATGA[A>AT]ACATGCTGAAGTTCATCAGGCTATCAAGAAATAGTCATTTGAACTAGGCTATGAATAATG-3'

ClinVar aggregate classification (germline): Benign (1 of 4 stars; one submission).

Allele frequency attached by ClinVar (database versions not stated): gnomAD exomes 0.72692; 1000 Genomes Project 0.77815; 1000 Genomes Project 30x 0.77951; gnomAD 0.78281; TOPMed 0.80809.

Submission:

GeneDx
Classification: Benign. Last evaluated: 2018-06-14. Review status: criteria provided, single submitter. Criteria: GeneDx Variant Classification (06012015). Collection method: clinical testing. Allele origin: germline. Affected: yes.
Comment: This variant is considered likely benign or benign based on one or more of the following criteria: it is a conservative change, it occurs at a poorly conserved position in the protein, it is predicted to be benign by multiple in silico algorithms, and/or has population frequency not consistent with disease.